The following is an entry in ClinVar:

ClinVar aggregate classification (germline): Uncertain significance. Review status: criteria provided, multiple submitters, no conflicts (2 of 4 stars). 2 submissions from 2 submitters: Uncertain significance (2). Last evaluated 2023-12-06.

Conditions:
Bethlem myopathy 2 (BTHLM2). Identifiers: Orphanet 536516, Orphanet 610, MedGen C4225313, MONDO:0034022, OMIM 616471.
Ullrich congenital muscular dystrophy 2 (UCMD2). Identifiers: Orphanet 75840, MedGen C4225314, MONDO:0014654, OMIM 616470.

Submissions (2):

Baylor Genetics
Classification: Uncertain significance for Bethlem myopathy 2. Last evaluated: 2023-12-06. Review status: criteria provided, single submitter. Criteria: ACMG Guidelines, 2015. Collection method: clinical testing. Allele origin: unknown.

Labcorp Genetics (formerly Invitae), Labcorp
Classification: Uncertain significance for Bethlem myopathy 2; Ullrich congenital muscular dystrophy 2. Last evaluated: 2023-02-16. Review status: criteria provided, single submitter. Criteria: Invitae Variant Classification Sherloc (09022015). Collection method: clinical testing. Allele origin: germline.
Comment: In summary, the available evidence is currently insufficient to determine the role of this variant in disease. Therefore, it has been classified as a Variant of Uncertain Significance. Advanced modeling of protein sequence and biophysical properties (such as structural, functional, and spatial information, amino acid conservation, physicochemical variation, residue mobility, and thermodynamic stability) performed at Invitae indicates that this missense variant is not expected to disrupt COL12A1 protein function. This variant has not been reported in the literature in individuals affected with COL12A1-related conditions. This variant is not present in population databases (gnomAD no frequency). This sequence change replaces proline, which is neutral and non-polar, with threonine, which is neutral and polar, at codon 2751 of the COL12A1 protein (p.Pro2751Thr).

NM_004370.6(COL12A1):c.8251C>A (p.Pro2751Thr)

Gene: COL12A1 (collagen type XII alpha 1 chain; minus strand). Cytogenetic location: 6q13.
Variant type: single nucleotide variant.
Coding change: c.8251C>A on transcript NM_004370.6 (MANE Select); coding-DNA position 8251, C replaced by A.
Protein change: p.Pro2751Thr; replaces proline 2751 with threonine.
Molecular consequence: missense variant.
Genome position (GRCh38, 1-based): chr6:75,105,220, G>T on the plus strand (C>A on the coding strand, the complement: COL12A1 is on the minus strand). VCF-style: chr6-75105220-G-T. GRCh37 (hg19) VCF-style: chr6-75814936-G-T.
Other names: c.8251C>A, p.Pro2751Thr (NM_001424113.1); c.8230C>A, p.Pro2744Thr (NM_001424114.1); c.7978C>A, p.Pro2660Thr (NM_001424115.1); c.4759C>A, p.Pro1587Thr (NM_001424116.1, NM_080645.3); short protein forms P2660T, P2744T, P1587T, P2751T.
Identifiers: ClinVar variation 2940954 (VCV002940954.4), dbSNP rs1292560967, ClinGen allele CA364740367.